The following is an entry in ClinVar:

ClinVar aggregate classification (germline): Conflicting classifications of pathogenicity. Review status: criteria provided, conflicting classifications (1 of 4 stars). 2 submissions from 2 submitters: Pathogenic (1); Uncertain significance (1). Last evaluated 2026-05-28.

Conditions:
Colorectal cancer, hereditary nonpolyposis, type 7. Identifiers: Orphanet 144, MedGen C1858380, MONDO:0013725, OMIM 614385.

Submissions (2):

Ambry Genetics
Classification: Pathogenic. Last evaluated: 2026-05-28. Review status: criteria provided, single submitter. Criteria: Ambry Variant Classification Scheme 2023. Collection method: clinical testing. Allele origin: germline.
Comment: The c.758_761delTTGT pathogenic mutation, located in coding exon 1 of the MLH3 gene, results from a deletion of 4 nucleotides at nucleotide positions 758 to 761, causing a translational frameshift with a predicted alternate stop codon (p.F253*). This variant is considered to be rare based on population cohorts in the Genome Aggregation Database (gnomAD). This alteration is expected to result in loss of function by premature protein truncation or nonsense-mediated mRNA decay. As such, this alteration is interpreted as a disease-causing mutation.

Labcorp Genetics (formerly Invitae), Labcorp
Classification: Uncertain significance for Colorectal cancer, hereditary nonpolyposis, type 7. Last evaluated: 2021-12-23. Review status: criteria provided, single submitter. Criteria: Invitae Variant Classification Sherloc (09022015). Collection method: clinical testing. Allele origin: germline.
Comment: In summary, the available evidence is currently insufficient to determine the role of this variant in disease. Therefore, it has been classified as a Variant of Uncertain Significance. Experimental studies and prediction algorithms are not available or were not evaluated, and the functional significance of this variant is currently unknown. This variant has not been reported in the literature in individuals affected with MLH3-related conditions. This variant is not present in population databases (gnomAD no frequency). This sequence change creates a premature translational stop signal (p.Phe253*) in the MLH3 gene. It is expected to result in an absent or disrupted protein product. However, the current clinical and genetic evidence is not sufficient to establish whether loss-of-function variants in MLH3 cause disease.

NM_001040108.2(MLH3):c.758_761del (p.Leu252_Phe253insTer)

Gene: MLH3 (mutL homolog 3; minus strand). Cytogenetic location: 14q24.3.
Variant type: Microsatellite.
Coding change: c.758_761del on transcript NM_001040108.2 (MANE Select); coding-DNA positions 758 to 761, 4 bases deleted (TTGT; older notation c.758_761delTTGT).
Protein change: p.Leu252_Phe253insTer.
Molecular consequence: nonsense. On other transcripts: frameshift variant (1).
Genome position (GRCh38, 1-based): chr14:75,048,895-75,048,898, ACAA deleted on the plus strand (TTGT on the coding strand, the reverse complement: MLH3 is on the minus strand); deleting any 4 consecutive bases within chr14:75,048,895-75,048,903 gives the same sequence; the c. name uses the placement nearest the transcript's 3' end. VCF-style (leftmost placement, unchanged base first): chr14-75048894-CACAA-C. GRCh37 (hg19) VCF-style: chr14-75515597-CACAA-C.
Other names: c.753_756TTTG[1], p.Phe253Terfs (NM_001040108.1); c.758_761del, p.Leu252_Phe253insTer (NM_014381.3); c.758_761delTTGT (NM_001040108.1).
Identifiers: ClinVar variation 2056133 (VCV002056133.6), dbSNP rs2503317584, ClinGen allele CA2580613726.